The following is an entry in ClinVar:

NM_001267550.2(TTN):c.78021G>A (p.Met26007Ile)

Genes: TTN-AS1 (TTN antisense RNA 1; plus strand), TTN (titin; minus strand). Cytogenetic location: 2q31.2.
Variant type: single nucleotide variant.
Coding change: c.78021G>A on transcript NM_001267550.2 (MANE Select); coding-DNA position 78021, G replaced by A.
Protein change: p.Met26007Ile; replaces methionine 26007 with isoleucine.
Molecular consequence: missense variant.
Genome position (GRCh38, 1-based): chr2:178,568,111, C>T on the plus strand (G>A on the coding strand, the complement: TTN is on the minus strand). VCF-style: chr2-178568111-C-T. GRCh37 (hg19) VCF-style: chr2-179432838-C-T.
Other names: c.73098G>A, p.Met24366Ile (NM_001256850.1); c.50826G>A, p.Met16942Ile (NM_003319.4); c.70317G>A, p.Met23439Ile (NM_133378.4); c.51201G>A, p.Met17067Ile (NM_133432.3); c.51402G>A, p.Met17134Ile (NM_133437.4); short protein forms M23439I, M26007I, M16942I, M17067I, M17134I, M24366I.
Identifiers: ClinVar variation 191891 (VCV000191891.2), dbSNP rs786205378, ClinGen allele CA237794.

ClinVar aggregate classification (germline): Uncertain significance. Review status: criteria provided, multiple submitters, no conflicts (2 of 4 stars). 2 submissions from 2 submitters: Uncertain significance (2). Last evaluated 2021-08-06.

Conditions:
Myopathy, myofibrillar, 9, with early respiratory failure (MFM9). Also called: EDSTROM MYOPATHY; MYOPATHY, PROXIMAL, WITH EARLY RESPIRATORY MUSCLE INVOLVEMENT; Myopathy, distal, with early respiratory failure, autosomal dominant; Hereditary myopathy with early respiratory failure. Identifiers: Orphanet 178464, Orphanet 34521, MedGen C1863599, MONDO:0011362, OMIM 603689.
Early-onset myopathy with fatal cardiomyopathy (CMYO5). Also called: CONGENITAL MYOPATHY 5 WITH CARDIOMYOPATHY; Salih Myopathy. Identifiers: Orphanet 289377, MedGen C2673677, MONDO:0012714, OMIM 611705. Disease mechanism: loss of function.
Hypertrophic cardiomyopathy 9. Also called: Familial hypertrophic cardiomyopathy 9. Identifiers: MedGen C1861065, MONDO:0013412, OMIM 613765.
Dilated cardiomyopathy 1G (CMD1G). Identifiers: Orphanet 154, MedGen C1858763, MONDO:0011400, OMIM 604145.
Tibial muscular dystrophy (TMD). Also called: UDD MYOPATHY; Tibial muscular dystrophy, tardive; Udd Distal Myopathy – Tibial Muscular Dystrophy. Identifiers: Orphanet 609, MedGen C1838244, MONDO:0010870, OMIM 600334.
Autosomal recessive limb-girdle muscular dystrophy type 2J (LGMDR10). Also called: MUSCULAR DYSTROPHY, LIMB-GIRDLE, AUTOSOMAL RECESSIVE 10; Limb-girdle muscular dystrophy, type 2J. Identifiers: Orphanet 140922, MedGen C1837342, MONDO:0012127, OMIM 608807.

Allele frequency attached by ClinVar (database versions not stated): gnomAD exomes below 0.00001.
gnomAD v4.1: 1 of 1,613,330 alleles (0.000062%); highest among the groups gnomAD compares: Non-Finnish European, 0.000085%; no homozygotes.

Submissions (2):

Fulgent Genetics
Classification: Uncertain significance for Tibial muscular dystrophy; Myopathy, myofibrillar, 9, with early respiratory failure; Dilated cardiomyopathy 1G; Autosomal recessive limb-girdle muscular dystrophy type 2J; Early-onset myopathy with fatal cardiomyopathy; Hypertrophic cardiomyopathy 9. Last evaluated: 2021-08-06. Review status: criteria provided, single submitter. Criteria: ACMG Guidelines, 2015. Collection method: clinical testing. Allele origin: unknown.

Biesecker Lab/Clinical Genomics Section, National Institutes of Health
Classification: Uncertain significance. Last evaluated: 2013-06-24. Review status: criteria provided, single submitter. Criteria: Ng et al. (Circ Cardiovasc Genet. 2013). Collection method: research. Allele origin: unknown. Observed: 1 variant allele. Study: ClinSeq.
Comment: The study set was not selected for affection status in relation to any cancer. Pathogenicity categories were based on literature curation. See Pubmed ID:23861362 for details.

Medical sequencing